The following is an entry in ClinVar:

ClinVar aggregate classification (germline): Pathogenic (1 of 4 stars; one submission).

Submission:

Labcorp Genetics (formerly Invitae), Labcorp
Classification: Pathogenic. Last evaluated: 2025-01-27. Review status: criteria provided, single submitter. Criteria: Invitae Variant Classification Sherloc (09022015). Collection method: clinical testing. Allele origin: germline.
Comment: This sequence change creates a premature translational stop signal (p.Ser459Tyrfs*106) in the KMT2A gene. It is expected to result in an absent or disrupted protein product. Loss-of-function variants in KMT2A are known to be pathogenic (PMID: 22795537, 25810209, 29574747). This variant is not present in population databases (gnomAD no frequency). This variant has not been reported in the literature in individuals affected with KMT2A-related conditions. For these reasons, this variant has been classified as Pathogenic.

Literature cited by the submitters: PubMed 22795537; PubMed 25810209; PubMed 29574747.

NM_001197104.2(KMT2A):c.1376_1382del (p.Ser459fs)

Gene: KMT2A (lysine methyltransferase 2A; plus strand). Cytogenetic location: 11q23.3.
Variant type: Deletion.
Coding change: c.1376_1382del on transcript NM_001197104.2 (MANE Select); coding-DNA positions 1376 to 1382, 7 bases deleted (CTGAAAA; older notation c.1376_1382delCTGAAAA).
Protein change: p.Ser459fs; shifts the reading frame from serine 459.
Molecular consequence: frameshift variant.
Genome position (GRCh38, 1-based): chr11:118,472,535-118,472,541, CTGAAAA deleted. VCF-style (leftmost placement, unchanged base first): chr11-118472534-TCTGAAAA-T. GRCh37 (hg19) VCF-style: chr11-118343249-TCTGAAAA-T.
Other names: c.1475_1481del, p.Ser492fs (NM_001412597.1); c.1376_1382del, p.Ser459fs (NM_005933.4); short protein forms S492fs, S459fs.
Identifiers: ClinVar variation 3729663 (VCV003729663.2).